The following is an entry in ClinVar:

ClinVar aggregate classification (germline): Conflicting classifications of pathogenicity. Review status: criteria provided, conflicting classifications (1 of 4 stars). 2 submissions from 2 submitters: Likely pathogenic (1); Uncertain significance (1). Last evaluated 2023-02-08.

Conditions:
Primary ciliary dyskinesia. Also called: Ciliary dyskinesia. Identifiers: Orphanet 244, MedGen C0008780, MONDO:0016575, HP:0012265.

gnomAD v4.1: 5 of 1,381,282 alleles (0.00036%); highest among the groups gnomAD compares: Non-Finnish European, 0.00049%; no homozygotes.

Submissions (2):

Labcorp Genetics (formerly Invitae), Labcorp
Classification: Likely pathogenic for Primary ciliary dyskinesia. Last evaluated: 2023-02-08. Review status: criteria provided, single submitter. Criteria: Invitae Variant Classification Sherloc (09022015). Collection method: clinical testing. Allele origin: germline.
Comment: This sequence change falls in intron 19 of the DNAH11 gene. It does not directly change the encoded amino acid sequence of the DNAH11 protein. This variant is not present in population databases (gnomAD no frequency). This variant has been observed in individual(s) with clinical features of DNAH11-related conditions (Invitae). In at least one individual the data is consistent with being in trans (on the opposite chromosome) from a pathogenic variant. ClinVar contains an entry for this variant (Variation ID: 958550). Algorithms developed to predict the effect of sequence changes on RNA splicing suggest that this variant may disrupt the consensus splice site. In summary, the currently available evidence indicates that the variant is pathogenic, but additional data are needed to prove that conclusively. Therefore, this variant has been classified as Likely Pathogenic.

Blueprint Genetics
Classification: Uncertain significance. Last evaluated: 2020-03-04. Review status: criteria provided, single submitter. Criteria: ACMG Guidelines, 2015. Collection method: clinical testing. Allele origin: germline.

NM_001277115.2(DNAH11):c.3766-8A>G

Gene: DNAH11 (dynein axonemal heavy chain 11; plus strand). Cytogenetic location: 7p15.3.
Variant type: single nucleotide variant.
Coding change: c.3766-8A>G on transcript NM_001277115.2 (MANE Select); 8 bases into the intron before coding-DNA position 3766, A replaced by G.
Molecular consequence: intron variant.
Genome position (GRCh38, 1-based): chr7:21,606,639, A>G. VCF-style: chr7-21606639-A-G. GRCh37 (hg19) VCF-style: chr7-21646257-A-G.
Identifiers: ClinVar variation 958550 (VCV000958550.11), dbSNP rs1785297774, ClinGen allele CA1139659989.